The following is an entry in ClinVar:

NM_014889.4(PITRM1):c.2827A>G (p.Lys943Glu)

Gene: PITRM1 (pitrilysin metallopeptidase 1; minus strand). Cytogenetic location: 10p15.2.
Variant type: single nucleotide variant.
Coding change: c.2827A>G on transcript NM_014889.4 (MANE Select); coding-DNA position 2827, A replaced by G.
Protein change: p.Lys943Glu; replaces lysine 943 with glutamic acid.
Molecular consequence: missense variant. On other transcripts: non-coding transcript variant (4).
Genome position (GRCh38, 1-based): chr10:3,138,994, T>C on the plus strand (A>G on the coding strand, the complement: PITRM1 is on the minus strand). VCF-style: chr10-3138994-T-C. GRCh37 (hg19) VCF-style: chr10-3181186-T-C.
Other names: c.2830A>G, p.Lys944Glu (NM_001242307.2); c.2533A>G, p.Lys845Glu (NM_001242309.1); c.2629A>G, p.Lys877Glu (NM_001347725.2); c.2014A>G, p.Lys672Glu (NM_001347726.2); c.2212A>G, p.Lys738Glu (NM_001347727.2); c.1522A>G, p.Lys508Glu (NM_001347728.2); c.2803A>G, p.Lys935Glu (NM_001347729.1); c.2605A>G, p.Lys869Glu (NM_001347730.1); short protein forms K943E, K672E, K738E, K845E, K944E, K508E, K869E, K877E.
Identifiers: ClinVar variation 1360275 (VCV001360275.5), dbSNP rs201649168, ClinGen allele CA5387193.
Genomic context (GRCh38, chr10:3,138,994, plus strand): 5'-CGGTTGAGAAGACAGAAAGTTTGGCTTCGTCGATGTCTTGCTGTGTGAATTTTCCAGACT[T>C]AGCCCAGTCGACAGCCTTCCCAAAAGACTGGAGCGTCTCTATTGTATTTGGGTCCCTAGG-3'
Protein context (NP_055704.2, residues 933-953): QSFGKAVDWA[Lys943Glu]SGKFTQQDID

ClinVar aggregate classification (germline): Uncertain significance (1 of 4 stars; one submission).

Allele frequency attached by ClinVar (database versions not stated): ESP Exome Variant Server 0.00008; gnomAD 0.00011 and 0.00012; ExAC 0.00014; TOPMed 0.00015; gnomAD exomes 0.00018 and 0.00028.
gnomAD v4.1: 425 of 1,613,650 alleles (0.026%); highest among the groups gnomAD compares: Middle Eastern, 0.049%; no homozygotes.

Submission:

Labcorp Genetics (formerly Invitae), Labcorp
Classification: Uncertain significance. Last evaluated: 2025-07-31. Review status: criteria provided, single submitter. Criteria: Invitae Variant Classification Sherloc (09022015). Collection method: clinical testing. Allele origin: germline.
Comment: This sequence change replaces lysine, which is basic and polar, with glutamic acid, which is acidic and polar, at codon 845 of the PITRM1 protein (p.Lys845Glu). This variant is present in population databases (rs201649168, gnomAD 0.04%). This variant has not been reported in the literature in individuals affected with PITRM1-related conditions. ClinVar contains an entry for this variant (Variation ID: 1360275). An algorithm developed to predict the effect of missense changes on protein structure and function (PolyPhen-2) suggests that this variant is likely to be tolerated. In summary, the available evidence is currently insufficient to determine the role of this variant in disease. Therefore, it has been classified as a Variant of Uncertain Significance.